The following is an entry in ClinVar:

ClinVar aggregate classification (germline): Uncertain significance (1 of 4 stars; one submission).

Conditions:
Hereditary cancer-predisposing syndrome. Also called: Neoplastic Syndromes, Hereditary; Tumor predisposition; Hereditary Cancer Syndrome; Hereditary neoplastic syndrome. Identifiers: Orphanet 140162, MedGen C0027672, MeSH D009386, MONDO:0015356.

Submission:

Ambry Genetics
Classification: Uncertain significance for Hereditary cancer-predisposing syndrome. Last evaluated: 2026-06-13. Review status: criteria provided, single submitter. Criteria: Ambry Variant Classification Scheme 2023. Collection method: clinical testing. Allele origin: germline.
Comment: The p.D587V variant (also known as c.1760A>T), located in coding exon 5 of the MET gene, results from an A to T substitution at nucleotide position 1760. The aspartic acid at codon 587 is replaced by valine, an amino acid with highly dissimilar properties. This amino acid position is conserved. In addition, this alteration is predicted to be deleterious by in silico analysis. Based on the available evidence, the clinical significance of this variant remains unclear.

NM_000245.4(MET):c.1760A>T (p.Asp587Val)

Gene: MET (MET proto-oncogene, receptor tyrosine kinase; plus strand). Cytogenetic location: 7q31.2.
Variant type: single nucleotide variant.
Coding change: c.1760A>T on transcript NM_000245.4 (MANE Select); coding-DNA position 1760, A replaced by T.
Protein change: p.Asp587Val; replaces aspartic acid 587 with valine.
Molecular consequence: missense variant.
Genome position (GRCh38, 1-based): chr7:116,755,413, A>T. VCF-style: chr7-116755413-A-T. GRCh37 (hg19) VCF-style: chr7-116395467-A-T.
Other names: c.1760A>T, p.Asp587Val (NM_001127500.3, NM_001324401.3); c.470A>T, p.Asp157Val (NM_001324402.2); short protein forms D157V, D587V.
Identifiers: ClinVar variation 4860010 (VCV004860010.1).